The following is an entry in ClinVar:

NM_001379286.1(ZNF423):c.3809C>T (p.Ser1270Leu)

Gene: ZNF423 (zinc finger protein 423; minus strand). Cytogenetic location: 16q12.1.
Variant type: single nucleotide variant.
Coding change: c.3809C>T on transcript NM_001379286.1 (MANE Select); coding-DNA position 3809, C replaced by T.
Protein change: p.Ser1270Leu; replaces serine 1270 with leucine.
Molecular consequence: missense variant.
Genome position (GRCh38, 1-based): chr16:49,523,664, G>A on the plus strand (C>T on the coding strand, the complement: ZNF423 is on the minus strand). VCF-style: chr16-49523664-G-A. GRCh37 (hg19) VCF-style: chr16-49557575-G-A.
Other names: c.3605C>T, p.Ser1202Leu (NM_001271620.2); c.3434C>T, p.Ser1145Leu (NM_001330533.2); c.3785C>T, p.Ser1262Leu (NM_015069.5); short protein forms S1202L, S1145L, S1270L, S1262L.
Identifiers: ClinVar variation 1516848 (VCV001516848.8), dbSNP rs1237889339, ClinGen allele CA395830051.

ClinVar aggregate classification (germline): Uncertain significance (1 of 4 stars; one submission).

Conditions:
Nephronophthisis 14 (NPHP14). Identifiers: Orphanet 2318, MedGen C3539071, MONDO:0013916, OMIM 614844.

Allele frequency attached by ClinVar (database versions not stated): gnomAD exomes below 0.00001; TOPMed below 0.00001; gnomAD 0.00001.
gnomAD v4.1: 2 of 1,614,086 alleles (0.00012%); highest among the groups gnomAD compares: Non-Finnish European, 0.00017%; no homozygotes.

Submission:

Labcorp Genetics (formerly Invitae), Labcorp
Classification: Uncertain significance for Nephronophthisis 14. Last evaluated: 2023-08-22. Review status: criteria provided, single submitter. Criteria: Invitae Variant Classification Sherloc (09022015). Collection method: clinical testing. Allele origin: germline.
Comment: This sequence change replaces serine, which is neutral and polar, with leucine, which is neutral and non-polar, at codon 1262 of the ZNF423 protein (p.Ser1262Leu). This variant is not present in population databases (gnomAD no frequency). This variant has not been reported in the literature in individuals affected with ZNF423-related conditions. ClinVar contains an entry for this variant (Variation ID: 1516848). Advanced modeling of protein sequence and biophysical properties (such as structural, functional, and spatial information, amino acid conservation, physicochemical variation, residue mobility, and thermodynamic stability) performed at Invitae indicates that this missense variant is not expected to disrupt ZNF423 protein function. In summary, the available evidence is currently insufficient to determine the role of this variant in disease. Therefore, it has been classified as a Variant of Uncertain Significance.